The following is an entry in ClinVar:

NM_001369.3(DNAH5):c.7888-5622G>T

Gene: DNAH5 (dynein axonemal heavy chain 5; minus strand). Cytogenetic location: 5p15.2.
Variant type: single nucleotide variant.
Coding change: c.7888-5622G>T on transcript NM_001369.3 (MANE Select); 5622 bases into the intron before coding-DNA position 7888, G replaced by T.
Molecular consequence: intron variant.
Genome position (GRCh38, 1-based): chr5:13,799,680, C>A on the plus strand (G>T on the coding strand, the complement: DNAH5 is on the minus strand). VCF-style: chr5-13799680-C-A. GRCh37 (hg19) VCF-style: chr5-13799789-C-A.
Identifiers: ClinVar variation 4853943 (VCV004853943.1).

ClinVar aggregate classification (germline): Uncertain significance (1 of 4 stars; one submission).

Conditions:
Primary ciliary dyskinesia 3. Identifiers: Orphanet 244, MedGen C1837618, MONDO:0012085, OMIM 608644.

Submission:

3billion
Classification: Uncertain significance for Primary ciliary dyskinesia 3. Last evaluated: 2025-11-13. Review status: criteria provided, single submitter. Criteria: ACMG Guidelines, 2015. Collection method: clinical testing. Allele origin: germline. Affected: yes.
Comment: The variant is not observed in the gnomAD v4.1.0 dataset. Predicted Consequence/Location: Intron variant In silico tools predict the variant to alter splicing and produce an abnormal transcript [SpliceAI: 0.36 (>=0.2, moderate evidence for spliceogenicity)]. Therefore, this variant is classified as VUS according to the recommendation of ACMG/AMP guideline.